The following is an entry in ClinVar:

NM_001166108.2(PALLD):c.1111A>G (p.Ser371Gly)

Gene: PALLD (palladin, cytoskeletal associated protein; plus strand). Cytogenetic location: 4q32.3.
Variant type: single nucleotide variant.
Coding change: c.1111A>G on transcript NM_001166108.2 (MANE Select); coding-DNA position 1111, A replaced by G.
Protein change: p.Ser371Gly; replaces serine 371 with glycine.
Molecular consequence: missense variant. On other transcripts: 5 prime UTR variant (1).
Genome position (GRCh38, 1-based): chr4:168,681,355, A>G. VCF-style: chr4-168681355-A-G. GRCh37 (hg19) VCF-style: chr4-169602506-A-G.
Other names: c.-36A>G (NM_001166109.2); c.1111A>G, p.Ser371Gly (NM_016081.4); short protein forms S371G.
Identifiers: ClinVar variation 2563391 (VCV002563391.2), dbSNP rs777840271, ClinGen allele CA3135522.

ClinVar aggregate classification (germline): Uncertain significance (1 of 4 stars; one submission).

Allele frequency attached by ClinVar (database versions not stated): gnomAD exomes below 0.00001; ExAC 0.00001; gnomAD 0.00001.
gnomAD v4.1: 2 of 1,608,166 alleles (0.00012%); highest among the groups gnomAD compares: Non-Finnish European, 0.00017%; no homozygotes.

Submission:

Ambry Genetics
Classification: Uncertain significance. Last evaluated: 2023-03-29. Review status: criteria provided, single submitter. Criteria: Ambry Variant Classification Scheme 2023. Collection method: clinical testing. Allele origin: germline.
Comment: The p.S371G variant (also known as c.1111A>G), located in coding exon 3 of the PALLD gene, results from an A to G substitution at nucleotide position 1111. The serine at codon 371 is replaced by glycine, an amino acid with similar properties. This amino acid position is conserved. In addition, this alteration is predicted to be tolerated by in silico analysis. Since supporting evidence is limited at this time, the clinical significance of this alteration remains unclear.